The following is an entry in ClinVar:

ClinVar aggregate classification (germline): Uncertain significance (1 of 4 stars; one submission).

Submission:

GeneDx
Classification: Uncertain significance. Last evaluated: 2024-08-12. Review status: criteria provided, single submitter. Criteria: GeneDx Variant Classification Process June 2021. Collection method: clinical testing. Allele origin: germline. Affected: yes.
Comment: Not observed at significant frequency in large population cohorts (gnomAD); In silico analysis indicates that this missense variant does not alter protein structure/function; Has not been previously published as pathogenic or benign to our knowledge; This variant is associated with the following publications: (PMID: 22549409)

NM_001077365.2(POMT1):c.472G>A (p.Val158Met)

Gene: POMT1 (protein O-mannosyltransferase 1; plus strand). Cytogenetic location: 9q34.13.
Variant type: single nucleotide variant.
Coding change: c.472G>A on transcript NM_001077365.2 (MANE Select); coding-DNA position 472, G replaced by A.
Protein change: p.Val158Met; replaces valine 158 with methionine.
Molecular consequence: missense variant. On other transcripts: 5 prime UTR variant (1), non-coding transcript variant (8).
Genome position (GRCh38, 1-based): chr9:131,508,955, G>A. VCF-style: chr9-131508955-G-A. GRCh37 (hg19) VCF-style: chr9-134384342-G-A.
Other names: c.310G>A, p.Val104Met (NM_001077366.2, NM_001353194.2, NM_001353197.2 and 3 more transcripts); c.472G>A, p.Val158Met (NM_001136113.2, NM_001353193.2, NM_001374690.1 and 1 more transcripts); c.121G>A, p.Val41Met (NM_001136114.2, NM_001353195.2, NM_001353199.2 and 2 more transcripts); c.382G>A, p.Val128Met (NM_001353196.2); c.16G>A, p.Val6Met (NM_001353200.2, NM_001374695.1); c.-665G>A (NM_001411024.1); short protein forms V104M, V6M, V158M, V128M, V41M.
Identifiers: ClinVar variation 3731050 (VCV003731050.1).
Genomic context (GRCh38, chr9:131,508,955, plus strand): 5'-TTCCTCTTTGAAACAGAGAATGCTCTCATCACTCAGTCAAGGCTAATGCTTTTGGAATCA[G>A]TGTTAATATTTTTCAATCTATTGGCCGTGTTGTCCTACCTGAAGTTCTTCAACTGCCAAA-3'
Protein context (NP_001070833.1, residues 148-168): TQSRLMLLES[Val158Met]LIFFNLLAVL